The following is an entry in ClinVar:

NM_145207.3(AFG2A):c.764C>A (p.Pro255Gln)

Gene: AFG2A (AAA ATPase AFG2A; plus strand). Cytogenetic location: 4q28.1.
Variant type: single nucleotide variant.
Coding change: c.764C>A on transcript NM_145207.3 (MANE Select); coding-DNA position 764, C replaced by A.
Protein change: p.Pro255Gln; replaces proline 255 with glutamine.
Molecular consequence: missense variant.
Genome position (GRCh38, 1-based): chr4:122,934,355, C>A. VCF-style: chr4-122934355-C-A. GRCh37 (hg19) VCF-style: chr4-123855510-C-A.
Other names: c.761C>A, p.Pro254Gln (NM_001317799.2, NM_001345856.2); short protein forms P254Q, P255Q.
Identifiers: ClinVar variation 937724 (VCV000937724.6), dbSNP rs1447745763, ClinGen allele CA358101991.
Genomic context (GRCh38, chr4:122,934,355, plus strand): 5'-TAAGCCAGTTAGATCTGGAGGATACCCAGATCCCAACATCAAGAAGTACTCCTTATAAAC[C>A]AATTGATGACAGAATTACAAATAAAGCCAGTGATGTTTTGCTGGATGTTACACAGAGCCC-3'
Protein context (NP_660208.2, residues 245-265): IPTSRSTPYK[Pro255Gln]IDDRITNKAS

ClinVar aggregate classification (germline): Uncertain significance (1 of 4 stars; one submission).

Conditions:
Microcephaly-intellectual disability-sensorineural hearing loss-epilepsy-abnormal muscle tone syndrome (NEDHSB). Also called: NEURODEVELOPMENTAL DISORDER WITH HEARING LOSS, SEIZURES, AND BRAIN ABNORMALITIES. Identifiers: Orphanet 457351, MedGen C4225276, MONDO:0014698, OMIM 616577.

Allele frequency attached by ClinVar (database versions not stated): gnomAD exomes below 0.00001 and 0.00001.
gnomAD v4.1: 4 of 1,614,128 alleles (0.00025%); highest among the groups gnomAD compares: African/African-American, 0.0013%; no homozygotes.

Submission:

Labcorp Genetics (formerly Invitae), Labcorp
Classification: Uncertain significance for Microcephaly-intellectual disability-sensorineural hearing loss-epilepsy-abnormal muscle tone syndrome. Last evaluated: 2019-10-03. Review status: criteria provided, single submitter. Criteria: Invitae Variant Classification Sherloc (09022015). Collection method: clinical testing. Allele origin: germline.
Comment: This sequence change replaces proline with glutamine at codon 255 of the SPATA5 protein (p.Pro255Gln). The proline residue is highly conserved and there is a moderate physicochemical difference between proline and glutamine. In summary, the available evidence is currently insufficient to determine the role of this variant in disease. Therefore, it has been classified as a Variant of Uncertain Significance. Algorithms developed to predict the effect of missense changes on protein structure and function are either unavailable or do not agree on the potential impact of this missense change (SIFT: "Deleterious"; PolyPhen-2: "Benign"; Align-GVGD: "Class C0"). This variant has not been reported in the literature in individuals with SPATA5-related conditions. This variant is not present in population databases (ExAC no frequency).